The following is an entry in ClinVar:

ClinVar aggregate classification (germline): Uncertain significance (1 of 4 stars; one submission).

Conditions:
Acute myeloid leukemia (AML). Also called: Acute myeloid leukemia, adult; AML adult; Acute non-lymphocytic leukemia; Acute granulocytic leukemia; Leukemia, acute myeloid, somatic; Leukemia, acute myelogenous, somatic. Identifiers: Orphanet 519, MedGen C0023467, MeSH D015470, MONDO:0018874, OMIM 601626, HP:0004808. Disease mechanism: Constitutively activated FLT3.

Allele frequency attached by ClinVar (database versions not stated): gnomAD exomes 0.00001.
gnomAD v4.1: 10 of 1,318,390 alleles (0.00076%); highest among the groups gnomAD compares: Non-Finnish European, 0.00097%; no homozygotes.

Submission:

Labcorp Genetics (formerly Invitae), Labcorp
Classification: Uncertain significance for Acute myeloid leukemia. Last evaluated: 2023-10-04. Review status: criteria provided, single submitter. Criteria: Invitae Variant Classification Sherloc (09022015). Collection method: clinical testing. Allele origin: germline.
Comment: This sequence change replaces histidine, which is basic and polar, with glutamine, which is neutral and polar, at codon 18 of the CEBPA protein (p.His18Gln). This variant is not present in population databases (gnomAD no frequency). This variant has not been reported in the literature in individuals affected with CEBPA-related conditions. ClinVar contains an entry for this variant (Variation ID: 646305). Advanced modeling of protein sequence and biophysical properties (such as structural, functional, and spatial information, amino acid conservation, physicochemical variation, residue mobility, and thermodynamic stability) performed at Invitae indicates that this missense variant is not expected to disrupt CEBPA protein function. In summary, the available evidence is currently insufficient to determine the role of this variant in disease. Therefore, it has been classified as a Variant of Uncertain Significance.

NM_004364.5(CEBPA):c.54C>G (p.His18Gln)

Gene: CEBPA (CCAAT enhancer binding protein alpha; minus strand). Cytogenetic location: 19q13.11.
Variant type: single nucleotide variant.
Coding change: c.54C>G on transcript NM_004364.5 (MANE Select); coding-DNA position 54, C replaced by G.
Protein change: p.His18Gln; replaces histidine 18 with glutamine.
Molecular consequence: missense variant. On other transcripts: 5 prime UTR variant (1).
Genome position (GRCh38, 1-based): chr19:33,302,361, G>C on the plus strand (C>G on the coding strand, the complement: CEBPA is on the minus strand). VCF-style: chr19-33302361-G-C. GRCh37 (hg19) VCF-style: chr19-33793267-G-C.
Other names: c.-304C>G (NM_001285829.2); c.159C>G, p.His53Gln (NM_001287424.2); c.12C>G, p.His4Gln (NM_001287435.2); short protein forms H18Q, H53Q, H4Q.
Identifiers: ClinVar variation 646305 (VCV000646305.9), dbSNP rs1600024552, ClinGen allele CA405275771.
Genomic context (GRCh38, chr19:33,302,361, plus strand): 5'-GCCCGCGCCCCGGGGAAAGCCGAAGGCGGCGCTGCTGGGCGCGTGCGGGGGGCTCTGCAG[G>C]TGGCTGCTCATCGGGGGCCGCGGCTCCGCCTCGTAGAAGTCGGCCGACTCCATGGGGGAG-3'
Protein context (NP_004355.2, residues 8-28): EAEPRPPMSS[His18Gln]LQSPPHAPSS